The following is an entry in ClinVar:

ClinVar aggregate classification (germline): Likely benign. Review status: criteria provided, multiple submitters, no conflicts (2 of 4 stars). 2 submissions from 2 submitters: Likely benign (2). Last evaluated 2025-03-12.

Conditions:
Pheochromocytoma. Also called: MAX-Related Hereditary Paraganglioma-Pheochromocytoma Syndrome. Identifiers: Orphanet 29072, MedGen C0031511, MONDO:0008233, OMIM 171300, HP:0002666.
Gastrointestinal stromal tumor. Also called: Gastrointestinal stroma tumor; Gastrointestinal stromal tumor, somatic. Identifiers: Orphanet 44890, MedGen C0238198, MeSH D046152, MONDO:0011719, OMIM 606764, HP:0100723.
Pheochromocytoma/paraganglioma syndrome 4. Also called: SDHB-Related Hereditary Paraganglioma-Pheochromocytoma Syndrome (Paragangliomas 4); SDHB-Related Hereditary Paraganglioma-Pheochromocytoma Syndrome; CAROTID BODY TUMORS AND MULTIPLE EXTRAADRENAL PHEOCHROMOCYTOMAS; PARAGANGLIOMA, FAMILIAL MALIGNANT; PARAGANGLIOMAS, HEREDITARY EXTRAADRENAL; PHEOCHROMOCYTOMA, FAMILIAL EXTRAADRENAL. Identifiers: Orphanet 29072, MedGen C1861848, MONDO:0007273, OMIM 115310.

Allele frequency attached by ClinVar (database versions not stated): gnomAD exomes 0.00001.

Submissions (2):

Myriad Genetics, Inc.
Classification: Likely benign for Pheochromocytoma/paraganglioma syndrome 4. Last evaluated: 2025-03-12. Review status: criteria provided, single submitter. Criteria: Myriad Autosomal Dominant, Autosomal Recessive and X-Linked Classification Criteria (2023). Collection method: clinical testing. Allele origin: unknown.
Comment: This variant is considered likely benign. This variant is intronic and is not expected to impact mRNA splicing.

Labcorp Genetics (formerly Invitae), Labcorp
Classification: Likely benign for Gastrointestinal stromal tumor; Pheochromocytoma/paraganglioma syndrome 4; Pheochromocytoma. Last evaluated: 2025-02-05. Review status: criteria provided, single submitter. Criteria: Invitae Variant Classification Sherloc (09022015). Collection method: clinical testing. Allele origin: germline.

NM_003000.3(SDHB):c.201-9C>T

Gene: SDHB (succinate dehydrogenase complex iron sulfur subunit B; minus strand). Cytogenetic location: 1p36.13.
Variant type: single nucleotide variant.
Coding change: c.201-9C>T on transcript NM_003000.3 (MANE Select); 9 bases into the intron before coding-DNA position 201, C replaced by T.
Molecular consequence: intron variant.
Genome position (GRCh38, 1-based): chr1:17,033,154, G>A on the plus strand (C>T on the coding strand, the complement: SDHB is on the minus strand). VCF-style: chr1-17033154-G-A. GRCh37 (hg19) VCF-style: chr1-17359649-G-A.
Identifiers: ClinVar variation 1078300 (VCV001078300.8), dbSNP rs201108188, ClinGen allele CA18669806.